The following is an entry in ClinVar:

ClinVar aggregate classification (germline): Uncertain significance. Review status: criteria provided, multiple submitters, no conflicts (2 of 4 stars). 3 submissions from 3 submitters: Uncertain significance (2). 1 of the submissions does not count toward it. Last evaluated 2024-12-12.

Conditions:
Autosomal recessive limb-girdle muscular dystrophy type 2A (LGMDR1). Also called: LEYDEN-MOEBIUS MUSCULAR DYSTROPHY; MUSCULAR DYSTROPHY, PELVOFEMORAL; Limb-girdle muscular dystrophy, type 2A; Calpainopathy; Muscular dystrophy, limb-girdle, type 2A, Amish. Identifiers: Orphanet 267, MedGen C1869123, MONDO:0009675, OMIM 253600. Disease mechanism: loss of function.
Muscular dystrophy, limb-girdle, autosomal dominant 4. Also called: Calpain-3-related limb-girdle muscular dystrophy D4; MUSCULAR DYSTROPHY, LIMB-GIRDLE, TYPE 1I. Identifiers: Orphanet 565909, MedGen C4748295, MONDO:0029133, OMIM 618129.

Submissions (3):

Labcorp Genetics (formerly Invitae), Labcorp
Classification: Uncertain significance for Autosomal recessive limb-girdle muscular dystrophy type 2A. Last evaluated: 2024-12-12. Review status: criteria provided, single submitter. Criteria: Invitae Variant Classification Sherloc (09022015). Collection method: clinical testing. Allele origin: germline.
Comment: This variant, c.1988_1990del, results in the deletion of 1 amino acid(s) of the CAPN3 protein (p.Gly663del), but otherwise preserves the integrity of the reading frame. This variant is present in population databases (rs770529441, gnomAD 0.004%). This variant has been observed in individual(s) with CAPN3-related conditions (PMID: 31517061). ClinVar contains an entry for this variant (Variation ID: 553313). Experimental studies and prediction algorithms are not available or were not evaluated, and the functional significance of this variant is currently unknown. In summary, the available evidence is currently insufficient to determine the role of this variant in disease. Therefore, it has been classified as a Variant of Uncertain Significance.

Fulgent Genetics
Classification: Uncertain significance for Autosomal recessive limb-girdle muscular dystrophy type 2A; Muscular dystrophy, limb-girdle, autosomal dominant 4. Last evaluated: 2021-08-06. Review status: criteria provided, single submitter. Criteria: ACMG Guidelines, 2015. Collection method: clinical testing. Allele origin: unknown.

Counsyl
Classification: Uncertain significance for Autosomal recessive limb-girdle muscular dystrophy type 2A. Last evaluated: 2017-08-15. Review status: no assertion criteria provided. Collection method: clinical testing. Allele origin: unknown. Not counted in ClinVar's aggregate classification.

Literature cited by the submitters: PubMed 31517061 (cited by Labcorp Genetics (formerly Invitae), Labcorp).

NM_000070.3(CAPN3):c.1988_1990del (p.Gly663del)

Gene: CAPN3 (calpain 3; plus strand). Cytogenetic location: 15q15.1.
Variant type: Deletion.
Coding change: c.1988_1990del on transcript NM_000070.3 (MANE Select); coding-DNA positions 1988 to 1990, 3 bases deleted (GAG; older notation c.1988_1990delGAG).
Protein change: p.Gly663del; deletes glycine 663.
Molecular consequence: inframe deletion. On other transcripts: 5 prime UTR variant (2).
Genome position (GRCh38, 1-based): chr15:42,409,376-42,409,378, GAG deleted; deleting any 3 consecutive bases within chr15:42,409,374-42,409,378 gives the same sequence; the c. name uses the placement nearest the transcript's 3' end. VCF-style (leftmost placement, unchanged base first): chr15-42409373-CAGG-C. GRCh37 (hg19) VCF-style: chr15-42701571-CAGG-C.
Other names: c.1970_1972del, p.Gly657del (NM_024344.2); c.1712_1714del, p.Gly571del (NM_173087.2); c.452_454del, p.Gly151del (NM_173088.2); c.-8_-6del (NM_173089.2, NM_173090.2); short protein forms G663del, G151del, G657del, G571del.
Identifiers: ClinVar variation 553313 (VCV000553313.5), dbSNP rs770529441, ClinGen allele CA7511630.
Genomic context (GRCh38, chr15:42,409,373, plus strand): 5'-GCAGCTCTGATCAGGAAAGTGAGGAACAGCAACAATTCCGGAACATTTTCAAGCAGATAG[CAGG>C]AGATGTGAGTACCTCCAAGCCCAGGACGCCCACAGGTGCTTCCTTCTCTCCTGGATTAAC-3'